The following is an entry in ClinVar:

NM_000064.4(C3):c.3326T>G (p.Leu1109Arg)

Gene: C3 (complement C3; minus strand). Cytogenetic location: 19p13.3.
Variant type: single nucleotide variant.
Coding change: c.3326T>G on transcript NM_000064.4 (MANE Select); coding-DNA position 3326, T replaced by G.
Protein change: p.Leu1109Arg; replaces leucine 1109 with arginine.
Molecular consequence: missense variant.
Genome position (GRCh38, 1-based): chr19:6,692,988, A>C on the plus strand (T>G on the coding strand, the complement: C3 is on the minus strand). VCF-style: chr19-6692988-A-C. GRCh37 (hg19) VCF-style: chr19-6692999-A-C.
Other names: short protein forms L1109R.
Identifiers: ClinVar variation 2503451 (VCV002503451.3), dbSNP rs2512242168, ClinGen allele CA403625767.
Genomic context (GRCh38, chr19:6,692,988, plus strand): 5'-ATTTCTTGGTGTATCACGGGCGCATCCTCCTGGAAGACCCCGTCGGGCTTCTGCTTCTCC[A>C]GGATCAGCCATTTAACAGCCCCGCAGAGGACTTGGGAGTCGATGGCGATGAGGTTGACAG-3'
Protein context (NP_000055.2, residues 1099-1119): VLCGAVKWLI[Leu1109Arg]EKQKPDGVFQ

ClinVar aggregate classification (germline): Conflicting classifications of pathogenicity. Review status: criteria provided, conflicting classifications (1 of 4 stars). 3 submissions from 3 submitters: Pathogenic (1); Uncertain significance (1). 1 of the submissions does not count toward it. Last evaluated 2025-09-30.

Conditions:
Atypical hemolytic-uremic syndrome with C3 anomaly. Also called: AHUS, SUSCEPTIBILITY TO, 5. Identifiers: Orphanet 2134, MedGen C2752037, MONDO:0013043, OMIM 612925.
Atypical hemolytic-uremic syndrome. Identifiers: Orphanet 2134, MedGen C2931788, MONDO:0016244.
C3-related disorders.

Submissions (3):

Genomenon, Inc
Classification: Uncertain significance for Atypical hemolytic-uremic syndrome. Last evaluated: 2025-09-30. Review status: criteria provided, single submitter. Criteria: Genomenon Sequence Variant Interpretation Standards. Collection method: curation. Allele origin: germline. Affected: yes.
Comment: C3 p.Leu1109Arg (c.3326T>G) is a missense variant that changes the amino acid at residue 1109 from Leucine to Arginine. This variant has been observed in at least one proband affected with atypical hemolytic-uremic syndrome (PMID:33238263). It is absent or not present at a significant frequency in gnomAD. In silico models agree that this variant is not damaging. In conclusion, we classify C3 p.Leu1109Arg (c.3326T>G) as a variant of unknown significance.

Blueprint Genetics
Classification: Pathogenic for C3-related disorders. Last evaluated: 2021-04-01. Review status: criteria provided, single submitter. Criteria: ACMG Guidelines, 2015. Collection method: clinical testing. Allele origin: germline. Affected: yes. Observed: 5 variant alleles.

Clinical Laboratory Sciences Program (CLSP), King Saud bin Abdulaziz University for Health Sciences (KSAU-HS)
Classification: Uncertain significance for Atypical hemolytic-uremic syndrome with C3 anomaly. Last evaluated: 2023-04-01. Review status: no assertion criteria provided. Collection method: clinical testing. Allele origin: germline. Affected: yes. Not counted in ClinVar's aggregate classification.

Literature cited by the submitters: PubMed 33238263 (cited by Genomenon, Inc).